The following is an entry in ClinVar:

NM_024027.5(COLEC11):c.315T>C (p.Pro105=)

Gene: COLEC11 (collectin subfamily member 11; plus strand). Cytogenetic location: 2p25.3.
Variant type: single nucleotide variant.
Coding change: c.315T>C on transcript NM_024027.5 (MANE Select); coding-DNA position 315, T replaced by C.
Protein change: p.Pro105=; no amino-acid change (proline 105 retained).
Molecular consequence: synonymous variant. On other transcripts: non-coding transcript variant (1).
Genome position (GRCh38, 1-based): chr2:3,640,318, T>C. VCF-style: chr2-3640318-T-C. GRCh37 (hg19) VCF-style: chr2-3687908-T-C.
Other names: c.243T>C, p.Pro81= (NM_001255982.2, NM_001255983.2); c.171T>C, p.Pro57= (NM_001255984.2); c.357T>C, p.Pro119= (NM_001255985.1); c.237T>C, p.Pro79= (NM_001255986.1); c.165T>C, p.Pro55= (NM_001255987.1, NM_001255988.1); c.93T>C, p.Pro31= (NM_001255989.1); c.306T>C, p.Pro102= (NM_199235.3).
Identifiers: ClinVar variation 3352991 (VCV003352991.1).

ClinVar aggregate classification (germline): Likely benign (0 of 4 stars; one submission).

Conditions:
COLEC11-related disorder. Also called: COLEC11-related condition.

gnomAD v4.1: 49 of 1,593,488 alleles (0.0031%); highest among the groups gnomAD compares: Non-Finnish European, 0.0042%; no homozygotes.

Submission:

PreventionGenetics, part of Exact Sciences
Classification: Likely benign for COLEC11-related condition. Last evaluated: 2019-03-12. Review status: no assertion criteria provided. Collection method: clinical testing. Allele origin: germline.
Comment: This variant is classified as likely benign based on ACMG/AMP sequence variant interpretation guidelines (Richards et al. 2015 PMID: 25741868, with internal and published modifications).